The following is an entry in ClinVar:

NM_001128205.2(SULF1):c.2273C>T (p.Pro758Leu)

Gene: SULF1 (sulfatase 1; plus strand). Cytogenetic location: 8q13.3.
Variant type: single nucleotide variant.
Coding change: c.2273C>T on transcript NM_001128205.2 (MANE Select); coding-DNA position 2273, C replaced by T.
Protein change: p.Pro758Leu; replaces proline 758 with leucine.
Molecular consequence: missense variant. On other transcripts: non-coding transcript variant (7).
Genome position (GRCh38, 1-based): chr8:69,629,668, C>T. VCF-style: chr8-69629668-C-T. GRCh37 (hg19) VCF-style: chr8-70541903-C-T.
Other names: c.2273C>T, p.Pro758Leu (NM_001128204.2, NM_001128206.2, NM_001412828.1 and 9 more transcripts); c.2144C>T, p.Pro715Leu (NM_001412832.1, NM_001412838.1, NM_001412839.1 and 1 more transcripts); c.2216C>T, p.Pro739Leu (NM_001412836.1, NM_001412837.1); c.2087C>T, p.Pro696Leu (NM_001412841.1, NM_001412842.1); c.1673C>T, p.Pro558Leu (NM_001412844.1, NM_001412845.1); c.482C>T, p.Pro161Leu (NM_001412846.1); short protein forms P161L, P558L, P696L, P715L, P739L, P758L.
Identifiers: ClinVar variation 3608239 (VCV003608239.2).

ClinVar aggregate classification (germline): Uncertain significance (1 of 4 stars; one submission).

gnomAD v4.1: 3 of 1,605,654 alleles (0.00019%); highest among the groups gnomAD compares: South Asian, 0.0011%; no homozygotes.

Submission:

Labcorp Genetics (formerly Invitae), Labcorp
Classification: Uncertain significance. Last evaluated: 2024-02-26. Review status: criteria provided, single submitter. Criteria: Invitae Variant Classification Sherloc (09022015). Collection method: clinical testing. Allele origin: germline.
Comment: This sequence change replaces proline, which is neutral and non-polar, with leucine, which is neutral and non-polar, at codon 758 of the SULF1 protein (p.Pro758Leu). This variant is present in population databases (rs745984464, gnomAD 0.003%). This variant has not been reported in the literature in individuals affected with SULF1-related conditions. An algorithm developed to predict the effect of missense changes on protein structure and function (PolyPhen-2) suggests that this variant is likely to be disruptive. In summary, the available evidence is currently insufficient to determine the role of this variant in disease. Therefore, it has been classified as a Variant of Uncertain Significance.